The following is an entry in ClinVar:

ClinVar aggregate classification (germline): Uncertain significance. Review status: criteria provided, multiple submitters, no conflicts (2 of 4 stars). 2 submissions from 2 submitters: Uncertain significance (2). Last evaluated 2024-08-23.

Allele frequency attached by ClinVar (database versions not stated): TOPMed 0.00005.
gnomAD v4.1: 48 of 1,613,848 alleles (0.003%); highest among the groups gnomAD compares: African/African-American, 0.025%; no homozygotes.

Submissions (2):

GeneDx
Classification: Uncertain significance. Last evaluated: 2024-08-23. Review status: criteria provided, single submitter. Criteria: GeneDx Variant Classification Process June 2021. Collection method: clinical testing. Allele origin: germline. Affected: yes.
Comment: In silico analysis indicates that this missense variant does not alter protein structure/function; Has not been previously published as pathogenic or benign to our knowledge

Ambry Genetics
Classification: Uncertain significance. Last evaluated: 2021-10-27. Review status: criteria provided, single submitter. Criteria: Ambry Variant Classification Scheme 2023. Collection method: clinical testing. Allele origin: germline.

NM_017757.3(ZNF407):c.3796G>A (p.Val1266Ile)

Gene: ZNF407 (zinc finger protein 407; plus strand). Cytogenetic location: 18q22.3.
Variant type: single nucleotide variant.
Coding change: c.3796G>A on transcript NM_017757.3 (MANE Select); coding-DNA position 3796, G replaced by A.
Protein change: p.Val1266Ile; replaces valine 1266 with isoleucine.
Molecular consequence: missense variant.
Genome position (GRCh38, 1-based): chr18:74,634,815, G>A. VCF-style: chr18-74634815-G-A. GRCh37 (hg19) VCF-style: chr18-72346771-G-A.
Other names: c.3796G>A, p.Val1266Ile (NM_001146189.1, NM_001146190.1, NM_001384475.1); short protein forms V1266I.
Identifiers: ClinVar variation 2370388 (VCV002370388.3), dbSNP rs751450561, ClinGen allele CA9000760.